The following is an entry in ClinVar:

ClinVar aggregate classification (germline): Benign. Review status: criteria provided, multiple submitters, no conflicts (2 of 4 stars). 4 submissions from 4 submitters: Benign (3). 1 of the submissions does not count toward it. Last evaluated 2026-01-21.

Conditions:
PLD1-related disorder. Also called: PLD1-related condition.

Allele frequency attached by ClinVar (database versions not stated): gnomAD 0.00765 and 0.00703; ESP Exome Variant Server 0.00100; 1000 Genomes Project 30x 0.01390; TOPMed 0.01295; ExAC 0.01611; gnomAD exomes 0.02063; 1000 Genomes Project 0.01458.
gnomAD v4.1: 8,601 of 1,613,434 alleles (0.53%); highest among the groups gnomAD compares: Admixed American, 9.9%; 451 homozygotes.

Submissions (4):

Labcorp Genetics (formerly Invitae), Labcorp
Classification: Benign. Last evaluated: 2026-01-21. Review status: criteria provided, single submitter. Criteria: Invitae Variant Classification Sherloc (09022015). Collection method: clinical testing. Allele origin: germline.

GeneDx
Classification: Benign. Last evaluated: 2021-05-05. Review status: criteria provided, single submitter. Criteria: GeneDx Variant Classification Process June 2021. Collection method: clinical testing. Allele origin: germline. Affected: yes.

Breakthrough Genomics
Classification: Benign. Review status: criteria provided, single submitter. Criteria: ACMG Guidelines, 2015. Collection method: not provided. Allele origin: germline. Inheritance: Autosomal recessive inheritance. Affected: yes.

PreventionGenetics, part of Exact Sciences
Classification: Benign for PLD1-related condition. Last evaluated: 2019-11-15. Review status: no assertion criteria provided. Collection method: clinical testing. Allele origin: germline. Not counted in ClinVar's aggregate classification.
Comment: This variant is classified as benign based on ACMG/AMP sequence variant interpretation guidelines (Richards et al. 2015 PMID: 25741868, with internal and published modifications).

NM_002662.5(PLD1):c.2458G>A (p.Val820Met)

Gene: PLD1 (phospholipase D1; minus strand). Cytogenetic location: 3q26.31.
Variant type: single nucleotide variant.
Coding change: c.2458G>A on transcript NM_002662.5 (MANE Select); coding-DNA position 2458, G replaced by A.
Protein change: p.Val820Met; replaces valine 820 with methionine.
Molecular consequence: missense variant.
Genome position (GRCh38, 1-based): chr3:171,644,995, C>T on the plus strand (G>A on the coding strand, the complement: PLD1 is on the minus strand). VCF-style: chr3-171644995-C-T. GRCh37 (hg19) VCF-style: chr3-171362785-C-T.
Other names: c.2344G>A, p.Val782Met (NM_001130081.3); short protein forms V782M, V820M.
Identifiers: ClinVar variation 1259963 (VCV001259963.13), dbSNP rs2287579, ClinGen allele CA2704231.